The following is an entry in ClinVar:

ClinVar aggregate classification (germline): Uncertain significance. Review status: criteria provided, multiple submitters, no conflicts (2 of 4 stars). 2 submissions from 2 submitters: Uncertain significance (2). Last evaluated 2025-11-02.

Conditions:
Usher syndrome type 3B. Also called: USHER SYNDROME, TYPE IIIB. Identifiers: MedGen C3281066, MONDO:0013788, OMIM 614504.

Allele frequency attached by ClinVar (database versions not stated): gnomAD exomes below 0.00001 and 0.00002; ExAC 0.00001; gnomAD 0.00001; TOPMed 0.00001.
gnomAD v4.1: 5 of 1,575,774 alleles (0.00032%); highest among the groups gnomAD compares: African/African-American, 0.0054%; no homozygotes.

Submissions (2):

Ambry Genetics
Classification: Uncertain significance. Last evaluated: 2025-11-02. Review status: criteria provided, single submitter. Criteria: Ambry Variant Classification Scheme 2023. Collection method: clinical testing. Allele origin: germline.

Labcorp Genetics (formerly Invitae), Labcorp
Classification: Uncertain significance for Usher syndrome type 3B. Last evaluated: 2023-11-06. Review status: criteria provided, single submitter. Criteria: Invitae Variant Classification Sherloc (09022015). Collection method: clinical testing. Allele origin: germline.
Comment: This sequence change replaces isoleucine, which is neutral and non-polar, with methionine, which is neutral and non-polar, at codon 31 of the HARS protein (p.Ile31Met). This variant is present in population databases (rs768408406, gnomAD 0.01%). This variant has not been reported in the literature in individuals affected with HARS-related conditions. ClinVar contains an entry for this variant (Variation ID: 1680375). An algorithm developed to predict the effect of missense changes on protein structure and function (PolyPhen-2) suggests that this variant is likely to be disruptive. In summary, the available evidence is currently insufficient to determine the role of this variant in disease. Therefore, it has been classified as a Variant of Uncertain Significance.

NM_002109.6(HARS1):c.93C>G (p.Ile31Met)

Gene: HARS1 (histidyl-tRNA synthetase 1; minus strand). Cytogenetic location: 5q31.3.
Variant type: single nucleotide variant.
Coding change: c.93C>G on transcript NM_002109.6 (MANE Select); coding-DNA position 93, C replaced by G.
Protein change: p.Ile31Met; replaces isoleucine 31 with methionine.
Molecular consequence: missense variant.
Genome position (GRCh38, 1-based): chr5:140,690,942, G>C on the plus strand (C>G on the coding strand, the complement: HARS1 is on the minus strand). VCF-style: chr5-140690942-G-C. GRCh37 (hg19) VCF-style: chr5-140070527-G-C.
Other names: c.93C>G (NM_002109.3); c.93C>G, p.Ile31Met (NM_001258040.3, NM_001258041.3, NM_001258042.3 and 2 more transcripts); c.6C>G, p.Ile2Met (NM_001289094.2); short protein forms I2M, I31M.
Identifiers: ClinVar variation 1680375 (VCV001680375.9), dbSNP rs768408406, ClinGen allele CA3444204.